The following is an entry in ClinVar:

ClinVar aggregate classification (germline): Uncertain significance (1 of 4 stars; one submission).

gnomAD v4.1: 8 of 1,600,366 alleles (0.0005%); highest among the groups gnomAD compares: Non-Finnish European, 0.00068%; no homozygotes.

Submission:

Labcorp Genetics (formerly Invitae), Labcorp
Classification: Uncertain significance. Last evaluated: 2023-02-01. Review status: criteria provided, single submitter. Criteria: Invitae Variant Classification Sherloc (09022015). Collection method: clinical testing. Allele origin: germline.
Comment: Advanced modeling of protein sequence and biophysical properties (such as structural, functional, and spatial information, amino acid conservation, physicochemical variation, residue mobility, and thermodynamic stability) performed at Invitae indicates that this missense variant is expected to disrupt AK7 protein function. This variant has not been reported in the literature in individuals affected with AK7-related conditions. This variant is not present in population databases (gnomAD no frequency). This sequence change replaces glycine, which is neutral and non-polar, with glutamic acid, which is acidic and polar, at codon 347 of the AK7 protein (p.Gly347Glu). In summary, the available evidence is currently insufficient to determine the role of this variant in disease. Therefore, it has been classified as a Variant of Uncertain Significance.

NM_152327.5(AK7):c.1040G>A (p.Gly347Glu)

Gene: AK7 (adenylate kinase 7; plus strand). Cytogenetic location: 14q32.2.
Variant type: single nucleotide variant.
Coding change: c.1040G>A on transcript NM_152327.5 (MANE Select); coding-DNA position 1040, G replaced by A.
Protein change: p.Gly347Glu; replaces glycine 347 with glutamic acid.
Molecular consequence: missense variant.
Genome position (GRCh38, 1-based): chr14:96,451,512, G>A. VCF-style: chr14-96451512-G-A. GRCh37 (hg19) VCF-style: chr14-96917849-G-A.
Other names: c.1040G>A, p.Gly347Glu (NM_001350888.2, NM_001350890.2, NM_001350892.2); c.962G>A, p.Gly321Glu (NM_001350891.2); short protein forms G347E, G321E.
Identifiers: ClinVar variation 1981926 (VCV001981926.4), dbSNP rs780991483, ClinGen allele CA390914343.